The following is an entry in ClinVar:

NM_001365536.1(SCN9A):c.2205G>C (p.Lys735Asn)

Genes: SCN9A (sodium voltage-gated channel alpha subunit 9; minus strand), SCN1A-AS1 (SCN1A and SCN9A antisense RNA 1; plus strand). Cytogenetic location: 2q24.3.
Variant type: single nucleotide variant.
Coding change: c.2205G>C on transcript NM_001365536.1 (MANE Select); coding-DNA position 2205, G replaced by C.
Protein change: p.Lys735Asn; replaces lysine 735 with asparagine.
Molecular consequence: missense variant.
Genome position (GRCh38, 1-based): chr2:166,280,495, C>G on the plus strand (G>C on the coding strand, the complement: SCN9A is on the minus strand). VCF-style: chr2-166280495-C-G. GRCh37 (hg19) VCF-style: chr2-167137005-C-G.
Other names: c.2172G>C, p.Lys724Asn (NM_002977.4); short protein forms K724N, K735N.
Identifiers: ClinVar variation 538475 (VCV000538475.11), dbSNP rs373052263, ClinGen allele CA1944310.
Genomic context (GRCh38, chr2:166,280,495, plus strand): 5'-AACTATGCAAATGGTAATTGCAAGATCTACAAAAGGATCCATTACAATAAAATAGATACA[C>G]TTTTTGAATTTTATCCAATATGGAGAGCAATTCCAGATCAAGAATTTGTGTGCAAATCTG-3'
Protein context (NP_001352465.1, residues 725-745): NCSPYWIKFK[Lys735Asn]CIYFIVMDPF

ClinVar aggregate classification (germline): Uncertain significance. Review status: criteria provided, multiple submitters, no conflicts (2 of 4 stars). 2 submissions from 2 submitters: Uncertain significance (2). Last evaluated 2025-07-05.

Conditions:
Inborn genetic diseases. Identifiers: MedGen C0950123, MeSH D030342.
Neuropathy, hereditary sensory and autonomic, type 2A (HSAN2A). Also called: ACROOSTEOLYSIS, GIACCAI TYPE; ACROOSTEOLYSIS, NEUROGENIC; MORVAN DISEASE; NEUROPATHY, CONGENITAL SENSORY; NEUROPATHY, HEREDITARY SENSORY RADICULAR, AUTOSOMAL RECESSIVE; NEUROPATHY, HEREDITARY SENSORY, TYPE IIA. Identifiers: Orphanet 970, MedGen C2752089, MONDO:0024309, OMIM 201300.
Generalized epilepsy with febrile seizures plus, type 7 (GEFSP7). Also called: GEFS+, TYPE 7. Identifiers: Orphanet 36387, MedGen C2751778, MONDO:0013470, OMIM 613863.

Allele frequency attached by ClinVar (database versions not stated): gnomAD 0.00004; gnomAD exomes 0.00004 and 0.00010; TOPMed 0.00005; ExAC 0.00012.
gnomAD v4.1: 152 of 1,587,070 alleles (0.0096%); highest among the groups gnomAD compares: Non-Finnish European, 0.012%; no homozygotes.

Submissions (2):

Labcorp Genetics (formerly Invitae), Labcorp
Classification: Uncertain significance for Neuropathy, hereditary sensory and autonomic, type 2A; Generalized epilepsy with febrile seizures plus, type 7. Last evaluated: 2025-07-05. Review status: criteria provided, single submitter. Criteria: Invitae Variant Classification Sherloc (09022015). Collection method: clinical testing. Allele origin: germline.
Comment: This sequence change replaces lysine, which is basic and polar, with asparagine, which is neutral and polar, at codon 724 of the SCN9A protein (p.Lys724Asn). This variant is present in population databases (rs373052263, gnomAD 0.009%). This variant has not been reported in the literature in individuals affected with SCN9A-related conditions. ClinVar contains an entry for this variant (Variation ID: 538475). Invitae Evidence Modeling of protein sequence and biophysical properties (such as structural, functional, and spatial information, amino acid conservation, physicochemical variation, residue mobility, and thermodynamic stability) indicates that this missense variant is not expected to disrupt SCN9A protein function with a negative predictive value of 95%. In summary, the available evidence is currently insufficient to determine the role of this variant in disease. Therefore, it has been classified as a Variant of Uncertain Significance.

Ambry Genetics
Classification: Uncertain significance for Inborn genetic diseases. Last evaluated: 2021-08-16. Review status: criteria provided, single submitter. Criteria: Ambry Variant Classification Scheme 2023. Collection method: clinical testing. Allele origin: germline.